The following is an entry in ClinVar:

ClinVar aggregate classification (germline): Uncertain significance. Review status: criteria provided, multiple submitters, no conflicts (2 of 4 stars). 5 submissions from 5 submitters: Uncertain significance (4). 1 of the submissions does not count toward it. Last evaluated 2026-02-05.

Conditions:
Hereditary cancer-predisposing syndrome. Also called: Tumor predisposition; Neoplastic Syndromes, Hereditary; Hereditary Cancer Syndrome; Hereditary neoplastic syndrome. Identifiers: Orphanet 140162, MedGen C0027672, MeSH D009386, MONDO:0015356.
Chuvash polycythemia. Also called: POLYCYTHEMIA, VHL-DEPENDENT. Identifiers: Orphanet 238557, MedGen C1837915, MONDO:0009892, OMIM 263400.
Von Hippel-Lindau syndrome (VHLS). Also called: von Hippel–Lindau syndrome; VHL syndrome; Von Hippel-Lindau. Identifiers: Orphanet 892, MedGen C0019562, MONDO:0008667, OMIM 193300. Disease mechanism: loss of function.

Allele frequency attached by ClinVar (database versions not stated): gnomAD exomes below 0.00001 and 0.00001; ExAC 0.00001.
gnomAD v4.1: 2 of 1,614,006 alleles (0.00012%); highest among the groups gnomAD compares: South Asian, 0.0011%; no homozygotes.

Submissions (5):

Ambry Genetics
Classification: Uncertain significance for Hereditary cancer-predisposing syndrome. Last evaluated: 2026-02-05. Review status: criteria provided, single submitter. Criteria: Ambry Variant Classification Scheme 2023. Collection method: clinical testing. Allele origin: germline.
Comment: The p.P138L variant (also known as c.413C>T), located in coding exon 2 of the VHL gene, results from a C to T substitution at nucleotide position 413. The proline at codon 138 is replaced by leucine, an amino acid with similar properties. This variant has been identified in the homozygous state in individual(s) with features consistent with VHL-related polycythemia (Lanikova L et al. Blood, 2013 May;121:3918-24). This variant was determined to be functionally neutral in one saturation genome editing assay (Buckley M et al. Nat Genet, 2024 Jul;56:1446-1455). This amino acid position is well conserved in available vertebrate species. In addition, this alteration is predicted to be deleterious by in silico analysis. Based on the available evidence, the clinical significance of this variant remains unclear.

All of Us Research Program, National Institutes of Health
Classification: Uncertain significance for Von Hippel-Lindau syndrome. Last evaluated: 2024-09-13. Review status: criteria provided, single submitter. Criteria: ACMG Guidelines, 2015. Collection method: clinical testing. Allele origin: germline. Inheritance: Autosomal dominant inheritance. Observed: 1 variant allele, 1 heterozygote.
Comment: This missense variant replaces proline with leucine at codon 138 of the VHL protein. Computational prediction suggests that this variant may have deleterious impact on protein structure and function. To our knowledge, functional studies have not been reported for this variant. This variant has not been reported in individuals affected with VHL-related cancer disorders in the literature. This variant has been identified in 2/251496 chromosomes in the general population by the Genome Aggregation Database (gnomAD). The available evidence is insufficient to determine the role of this variant in disease conclusively. Therefore, this variant is classified as a Variant of Uncertain Significance.

This study involves interpretation of variants in research participants for the purpose of population health screening. Participant phenotype was not available at the time of variant classification. Additional details can be found in publication PMID: 35346344, PMCID: PMC8962531

Labcorp Genetics (formerly Invitae), Labcorp
Classification: Uncertain significance for Von Hippel-Lindau syndrome; Chuvash polycythemia. Last evaluated: 2022-11-18. Review status: criteria provided, single submitter. Criteria: Invitae Variant Classification Sherloc (09022015). Collection method: clinical testing. Allele origin: germline.
Comment: In summary, the available evidence is currently insufficient to determine the role of this variant in disease. Therefore, it has been classified as a Variant of Uncertain Significance. This sequence change replaces proline, which is neutral and non-polar, with leucine, which is neutral and non-polar, at codon 138 of the VHL protein (p.Pro138Leu). This variant is present in population databases (rs780178275, gnomAD 0.006%). This missense change has been observed in individual(s) with congenital polycythemia (PMID: 23538339). ClinVar contains an entry for this variant (Variation ID: 816689). Advanced modeling of protein sequence and biophysical properties (such as structural, functional, and spatial information, amino acid conservation, physicochemical variation, residue mobility, and thermodynamic stability) performed at Invitae indicates that this missense variant is expected to disrupt VHL protein function. Experimental studies have shown that this missense change affects VHL function (PMID: 29891534).

GeneDx
Classification: Uncertain significance. Last evaluated: 2019-08-20. Review status: criteria provided, single submitter. Criteria: GeneDx Variant Classification Process June 2021. Collection method: clinical testing. Allele origin: germline. Affected: yes.
Comment: Not observed at a significant frequency in large population cohorts (Lek et al., 2016); In silico analysis, which includes protein predictors and evolutionary conservation, supports a deleterious effect; This variant is associated with the following publications: (PMID: 26224408, 24729484, 23538339, 24115288, 29891534)

OMIM
Classification: Pathogenic for ERYTHROCYTOSIS, FAMILIAL, 2. Last evaluated: 2011-07-01. Review status: no assertion criteria provided. Collection method: literature only. Allele origin: germline. Not counted in ClinVar's aggregate classification.

Literature cited by the submitters: PubMed 23538339 (cited by 4 submitters); PubMed 38969834 (cited by Ambry Genetics); PubMed 29891534 (cited by Labcorp Genetics (formerly Invitae), Labcorp); PubMed 21463266 (cited by OMIM).

NM_000551.4(VHL):c.413C>T (p.Pro138Leu)

Genes: VHL (von Hippel-Lindau tumor suppressor; plus strand), LOC107303340 (3p25 von Hippel-Lindau tumor suppressor, E3 ubiquitin protein ligase Alu-mediated recombination region; plus strand). Cytogenetic location: 3p25.3.
Variant type: single nucleotide variant.
Coding change: c.413C>T on transcript NM_000551.4 (MANE Select); coding-DNA position 413, C replaced by T.
Protein change: p.Pro138Leu; replaces proline 138 with leucine.
Molecular consequence: missense variant. On other transcripts: intron variant (2).
Genome position (GRCh38, 1-based): chr3:10,146,586, C>T. VCF-style: chr3-10146586-C-T. GRCh37 (hg19) VCF-style: chr3-10188270-C-T.
Other names: c.*18-3201C>T (NM_001354723.2); c.341-3201C>T (NM_198156.3); short protein forms P138L.
Identifiers: ClinVar variation 816689 (VCV000816689.15), dbSNP rs780178275, ClinGen allele CA040861.
Genomic context (GRCh38, chr3:10,146,586, plus strand): 5'-TCTTCAGAGATGCAGGGACACACGATGGGCTTCTGGTTAACCAAACTGAATTATTTGTGC[C>T]ATCTCTCAATGTTGACGGACAGCCTATTTTTGCCAATATCACACTGCCAGGTACTGACGT-3'
Protein context (NP_000542.1, residues 128-148): LLVNQTELFV[Pro138Leu]SLNVDGQPIF